The following is an entry in ClinVar:

NM_001177316.2(SLC34A3):c.175+4G>A

Gene: SLC34A3 (solute carrier family 34 member 3; plus strand). Cytogenetic location: 9q34.3.
Variant type: single nucleotide variant.
Coding change: c.175+4G>A on transcript NM_001177316.2 (MANE Select); 4 bases into the intron after coding-DNA position 175, G replaced by A.
Molecular consequence: intron variant.
Genome position (GRCh38, 1-based): chr9:137,232,165, G>A. VCF-style: chr9-137232165-G-A. GRCh37 (hg19) VCF-style: chr9-140126617-G-A.
Other names: c.175+4G>A (NM_001177317.2, NM_080877.3).
Identifiers: ClinVar variation 2093120 (VCV002093120.1), dbSNP rs1303293162, ClinGen allele CA591207605.
Genomic context (GRCh38, chr9:137,232,165, plus strand): 5'-GGGACACAGACCCCTGGACCCTCCCTCAGCTGAAGGACACAAGCCAGCCCTGGAAAGGTG[G>A]GTCTGGAGGTTCCGGGGGTGGCAGGCTGGCAGGCCTCTGTCCCCAACGGGACTGGGGAGA-3'

ClinVar aggregate classification (germline): Uncertain significance (1 of 4 stars; one submission).

Allele frequency attached by ClinVar (database versions not stated): gnomAD exomes below 0.00001.

Submission:

Labcorp Genetics (formerly Invitae), Labcorp
Classification: Uncertain significance. Last evaluated: 2022-03-01. Review status: criteria provided, single submitter. Criteria: Invitae Variant Classification Sherloc (09022015). Collection method: clinical testing. Allele origin: germline.
Comment: This sequence change falls in intron 3 of the SLC34A3 gene. It does not directly change the encoded amino acid sequence of the SLC34A3 protein. It affects a nucleotide within the consensus splice site. This variant is present in population databases (no rsID available, gnomAD 0.0009%). This variant has not been reported in the literature in individuals affected with SLC34A3-related conditions. Variants that disrupt the consensus splice site are a relatively common cause of aberrant splicing (PMID: 17576681, 9536098). Algorithms developed to predict the effect of sequence changes on RNA splicing suggest that this variant is not likely to affect RNA splicing. In summary, the available evidence is currently insufficient to determine the role of this variant in disease. Therefore, it has been classified as a Variant of Uncertain Significance.

Literature cited by the submitters: PubMed 17576681; PubMed 9536098.